The following is an entry in ClinVar:

ClinVar aggregate classification (germline): Uncertain significance (1 of 4 stars; one submission).

gnomAD v4.1: 1 of 1,613,172 alleles (0.000062%); highest among the groups gnomAD compares: Admixed American, 0.0017%; no homozygotes.

Submission:

CeGaT Center for Human Genetics Tuebingen
Classification: Uncertain significance. Last evaluated: 2025-01-01. Review status: criteria provided, single submitter. Criteria: CeGaT Center For Human Genetics Tuebingen Variant Classification Criteria Version 2. Collection method: clinical testing. Allele origin: germline. Affected: yes. Observed: 1 variant allele.
Comment: TTN: PM2, BP4

NM_001267550.2(TTN):c.11311+3092T>C

Gene: TTN (titin; minus strand). Cytogenetic location: 2q31.2.
Variant type: single nucleotide variant.
Coding change: c.11311+3092T>C on transcript NM_001267550.2 (MANE Select); 3092 bases into the intron after coding-DNA position 11311, T replaced by C.
Molecular consequence: intron variant. On other transcripts: missense variant (1).
Genome position (GRCh38, 1-based): chr2:178,750,032, A>G on the plus strand (T>C on the coding strand, the complement: TTN is on the minus strand). VCF-style: chr2-178750032-A-G. GRCh37 (hg19) VCF-style: chr2-179614759-A-G.
Other names: c.12368T>C, p.Val4123Ala (NM_133379.5); c.10222+3092T>C (NM_003319.4); c.10798+3092T>C (NM_133437.4); c.10597+3092T>C (NM_133432.3); c.10360+3092T>C (NM_133378.4, NM_001256850.1); short protein forms V4123A.
Identifiers: ClinVar variation 3772218 (VCV003772218.13).